The following is an entry in ClinVar:

ClinVar aggregate classification (germline): Uncertain significance. Review status: criteria provided, multiple submitters, no conflicts (2 of 4 stars). 3 submissions from 3 submitters: Uncertain significance (3). Last evaluated 2025-12-03.

Conditions:
Hereditary cancer-predisposing syndrome. Also called: Neoplastic Syndromes, Hereditary; Tumor predisposition; Hereditary Cancer Syndrome; Hereditary neoplastic syndrome. Identifiers: Orphanet 140162, MedGen C0027672, MeSH D009386, MONDO:0015356.
Breast-ovarian cancer, familial, susceptibility to, 4. Identifiers: Orphanet 145, MedGen C3280345, MONDO:0013669, OMIM 614291.

Allele frequency attached by ClinVar (database versions not stated): gnomAD exomes below 0.00001; TOPMed below 0.00001; gnomAD 0.00001.
gnomAD v4.1: 4 of 1,611,776 alleles (0.00025%); highest among the groups gnomAD compares: Non-Finnish European, 0.00025%; no homozygotes.

Submissions (3):

Labcorp Genetics (formerly Invitae), Labcorp
Classification: Uncertain significance for Breast-ovarian cancer, familial, susceptibility to, 4. Last evaluated: 2025-12-03. Review status: criteria provided, single submitter. Criteria: Invitae Variant Classification Sherloc (09022015). Collection method: clinical testing. Allele origin: germline.
Comment: This sequence change replaces arginine, which is basic and polar, with tryptophan, which is neutral and slightly polar, at codon 5 of the RAD51D protein (p.Arg5Trp). This variant is not present in population databases (gnomAD no frequency). This variant has not been reported in the literature in individuals affected with RAD51D-related conditions. ClinVar contains an entry for this variant (Variation ID: 233989). An algorithm developed to predict the effect of missense changes on protein structure and function (PolyPhen-2) suggests that this variant is likely to be disruptive. In summary, the available evidence is currently insufficient to determine the role of this variant in disease. Therefore, it has been classified as a Variant of Uncertain Significance.

Color Diagnostics, LLC DBA Color Health
Classification: Uncertain significance for Hereditary cancer-predisposing syndrome. Last evaluated: 2025-03-24. Review status: criteria provided, single submitter. Criteria: ACMG Guidelines, 2015. Collection method: clinical testing. Allele origin: germline.
Comment: This missense variant replaces arginine with tryptophan at codon 5 of the RAD51D protein. Computational prediction suggests that this variant may not impact protein structure and function (internally defined REVEL score threshold <= 0.5, PMID: 27666373). To our knowledge, functional studies have not been reported for this variant. This variant has not been reported in individuals affected with hereditary cancer in the literature. This variant has not been identified in the general population by the Genome Aggregation Database (gnomAD). The available evidence is insufficient to determine the role of this variant in disease conclusively. Therefore, this variant is classified as a Variant of Uncertain Significance.

Ambry Genetics
Classification: Uncertain significance for Hereditary cancer-predisposing syndrome. Last evaluated: 2023-07-05. Review status: criteria provided, single submitter. Criteria: Ambry Variant Classification Scheme 2023. Collection method: clinical testing. Allele origin: germline.
Comment: The p.R5W variant (also known as c.13A>T), located in coding exon 1 of the RAD51D gene, results from an A to T substitution at nucleotide position 13. The arginine at codon 5 is replaced by tryptophan, an amino acid with dissimilar properties. This amino acid position is well conserved in available vertebrate species. In addition, the in silico prediction for this alteration is inconclusive. Since supporting evidence is limited at this time, the clinical significance of this alteration remains unclear.

NM_002878.4(RAD51D):c.13A>T (p.Arg5Trp)

Genes: RAD51L3-RFFL (RAD51L3-RFFL readthrough; minus strand), RAD51D (RAD51 paralog D; minus strand). Cytogenetic location: 17q12.
Variant type: single nucleotide variant.
Coding change: c.13A>T on transcript NM_002878.4 (MANE Select); coding-DNA position 13, A replaced by T.
Protein change: p.Arg5Trp; replaces arginine 5 with tryptophan.
Molecular consequence: missense variant. On other transcripts: non-coding transcript variant (2).
Genome position (GRCh38, 1-based): chr17:35,119,601, T>A on the plus strand (A>T on the coding strand, the complement: RAD51D is on the minus strand). VCF-style: chr17-35119601-T-A. GRCh37 (hg19) VCF-style: chr17-33446620-T-A.
Other names: c.13A>T, p.Arg5Trp (NM_001142571.2, NM_133629.3); short protein forms R5W.
Identifiers: ClinVar variation 233989 (VCV000233989.15), dbSNP rs876660779, ClinGen allele CA10580477.
Genomic context (GRCh38, chr17:35,119,601, plus strand): 5'-TCCTGTGGCTCCTGAGAAGCTGGATCATCTCCTCGGTAAGGCCAGGGCACAGTCCGACCC[T>A]GAGCACGCCCATGTTCCCCGCAGGCCGGAACAGCCCCAGGGGGACTGCACGTCACGTGGG-3'
Protein context (NP_002869.3, residues 1-15): MGVL[Arg5Trp]VGLCPGLTEE